The following is an entry in ClinVar:

NM_032805.3(ZSCAN10):c.1436C>A (p.Ser479Tyr)

Gene: ZSCAN10 (zinc finger and SCAN domain containing 10; minus strand). Cytogenetic location: 16p13.3.
Variant type: single nucleotide variant.
Coding change: c.1436C>A on transcript NM_032805.3 (MANE Select); coding-DNA position 1436, C replaced by A.
Protein change: p.Ser479Tyr; replaces serine 479 with tyrosine.
Molecular consequence: missense variant.
Genome position (GRCh38, 1-based): chr16:3,089,998, G>T on the plus strand (C>A on the coding strand, the complement: ZSCAN10 is on the minus strand). VCF-style: chr16-3089998-G-T. GRCh37 (hg19) VCF-style: chr16-3139999-G-T.
Other names: c.254C>A, p.Ser85Tyr (NM_001282415.2, NM_001365273.1); c.1025C>A, p.Ser342Tyr (NM_001282416.2); c.890C>A, p.Ser297Tyr (NM_001365272.1); short protein forms S85Y, S297Y, S342Y, S479Y.
Identifiers: ClinVar variation 782408 (VCV000782408.27), dbSNP rs201495311, ClinGen allele CA7857423.

ClinVar aggregate classification (germline): Benign/Likely benign. Review status: criteria provided, multiple submitters, no conflicts (2 of 4 stars). 2 submissions from 2 submitters: Benign (1); Likely benign (1). Last evaluated 2026-07-01.

Allele frequency attached by ClinVar (database versions not stated): 1000 Genomes Project 0.00260; 1000 Genomes Project 30x 0.00265; ESP Exome Variant Server 0.00318; gnomAD 0.00350 and 0.00359; gnomAD exomes 0.00382; TOPMed 0.00392; ExAC 0.00662.
gnomAD v4.1: 8,214 of 1,561,270 alleles (0.53%); highest among the groups gnomAD compares: Non-Finnish European, 0.62%; 25 homozygotes.

Submissions (2):

CeGaT Center for Human Genetics Tuebingen
Classification: Likely benign. Last evaluated: 2026-07-01. Review status: criteria provided, single submitter. Criteria: CeGaT Center For Human Genetics Tuebingen Variant Classification Criteria Version 2. Collection method: clinical testing. Allele origin: germline. Affected: yes. Observed: 8 variant alleles.
Comment: ZSCAN10: BS2

Labcorp Genetics (formerly Invitae), Labcorp
Classification: Benign. Last evaluated: 2018-01-09. Review status: criteria provided, single submitter. Criteria: Invitae Variant Classification Sherloc (09022015). Collection method: clinical testing. Allele origin: germline.